The following is an entry in ClinVar:

NM_024306.5(FA2H):c.1076T>C (p.Phe359Ser)

Gene: FA2H (fatty acid 2-hydroxylase; minus strand). Cytogenetic location: 16q23.1.
Variant type: single nucleotide variant.
Coding change: c.1076T>C on transcript NM_024306.5 (MANE Select); coding-DNA position 1076, T replaced by C.
Protein change: p.Phe359Ser; replaces phenylalanine 359 with serine.
Molecular consequence: missense variant.
Genome position (GRCh38, 1-based): chr16:74,714,233, A>G on the plus strand (T>C on the coding strand, the complement: FA2H is on the minus strand). VCF-style: chr16-74714233-A-G. GRCh37 (hg19) VCF-style: chr16-74748131-A-G.
Other names: short protein forms F359S.
Identifiers: ClinVar variation 4278855 (VCV004278855.3).
Genomic context (GRCh38, chr16:74,714,233, plus strand): 5'-GGAGGGGGTGGGAGTTGTCACTGCGTCTTCAGGTGGGGTTTCTCTGGAGTGAGGGTGTGG[A>G]AACAGTAATCCCACAATTTAGTGCTGATACCAAATCCTAGAGAGGGAGACAAACGGGGAG-3'
Protein context (NP_077282.3, residues 349-369): GISTKLWDYC[Phe359Ser]HTLTPEKPHL

ClinVar aggregate classification (germline): Uncertain significance. Review status: criteria provided, multiple submitters, no conflicts (2 of 4 stars). 2 submissions from 2 submitters: Uncertain significance (2). Last evaluated 2026-10-19.

Conditions:
Hereditary spastic paraplegia 35. Also called: LEUKODYSTROPHY, DYSMYELINATING, AND SPASTIC PARAPARESIS WITH OR WITHOUT DYSTONIA; Spastic paraplegia 35; Spastic paraplegia 35, autosomal recessive; SPASTIC PARAPLEGIA 35, AUTOSOMAL RECESSIVE, WITH OR WITHOUT NEURODEGENERATION. Identifiers: Orphanet 171629, MedGen C3496228, MONDO:0012866, OMIM 612319.

Submissions (2):

GeneDx
Classification: Uncertain significance. Last evaluated: 2026-10-19. Review status: criteria provided, single submitter. Criteria: GeneDx Variant Classification Process June 2021. Collection method: clinical testing. Allele origin: germline.
Comment: Not observed at significant frequency in large population cohorts (gnomAD); In silico analysis supports that this missense variant has a deleterious effect on protein structure/function; Has not been previously published as pathogenic or benign to our knowledge

3billion
Classification: Uncertain significance for Hereditary spastic paraplegia 35. Last evaluated: 2025-12-30. Review status: criteria provided, single submitter. Criteria: ACMG Guidelines, 2015. Collection method: clinical testing. Allele origin: germline. Affected: yes.
Comment: The variant is not observed in the gnomAD v4.1.0 dataset. Predicted Consequence/Location: Missense variant In silico tool predictions suggest damaging effect of the variant on gene or gene product [REVEL: 0.92 (>=0.6, sensitivity 0.68 and specificity 0.92); 3Cnet: 0.91 (> 0.75, sensitivity 0.96 and precision 0.92)]. The variant has been reported as of uncertain significance (ClinVar ID: VCV004278855). However, the evidence of pathogenicity is insufficient at this time. Therefore, this variant is classified as VUS according to the recommendation of ACMG/AMP guideline.